The following is an entry in ClinVar:

ClinVar aggregate classification (germline): Uncertain significance (1 of 4 stars; one submission).

gnomAD v4.1: 1 of 1,606,270 alleles (0.000062%); highest among the groups gnomAD compares: South Asian, 0.0011%; no homozygotes.

Submission:

Ambry Genetics
Classification: Uncertain significance. Last evaluated: 2025-09-19. Review status: criteria provided, single submitter. Criteria: Ambry Variant Classification Scheme 2023. Collection method: clinical testing. Allele origin: germline.
Comment: The p.I146M variant (also known as c.438C>G), located in coding exon 1 of the MC1R gene, results from a C to G substitution at nucleotide position 438. The isoleucine at codon 146 is replaced by methionine, an amino acid with highly similar properties. This amino acid position is conserved. In addition, this alteration is predicted to be deleterious by in silico analysis. Based on the available evidence, the clinical significance of this variant remains unclear.

NM_002386.4(MC1R):c.438C>G (p.Ile146Met)

Gene: MC1R (melanocortin 1 receptor; plus strand). Cytogenetic location: 16q24.3.
Variant type: single nucleotide variant.
Coding change: c.438C>G on transcript NM_002386.4 (MANE Select); coding-DNA position 438, C replaced by G.
Protein change: p.Ile146Met; replaces isoleucine 146 with methionine.
Molecular consequence: missense variant.
Genome position (GRCh38, 1-based): chr16:89,919,696, C>G. VCF-style: chr16-89919696-C-G. GRCh37 (hg19) VCF-style: chr16-89986104-C-G.
Other names: short protein forms I146M.
Identifiers: ClinVar variation 4550285 (VCV004550285.1).